The following is an entry in ClinVar:

NM_002637.4(PHKA1):c.2093A>T (p.Asp698Val)

Gene: PHKA1 (phosphorylase kinase regulatory subunit alpha 1; minus strand). Cytogenetic location: Xq13.1.
Variant type: single nucleotide variant.
Coding change: c.2093A>T on transcript NM_002637.4 (MANE Select); coding-DNA position 2093, A replaced by T.
Protein change: p.Asp698Val; replaces aspartic acid 698 with valine.
Molecular consequence: missense variant. On other transcripts: intron variant (1).
Genome position (GRCh38, 1-based): chrX:72,620,769, T>A on the plus strand (A>T on the coding strand, the complement: PHKA1 is on the minus strand). VCF-style: chrX-72620769-T-A. GRCh37 (hg19) VCF-style: chrX-71840619-T-A.
Other names: c.2093A>T, p.Asp698Val (NM_001122670.2); c.1961-1464A>T (NM_001172436.2); short protein forms D698V.
Identifiers: ClinVar variation 2787089 (VCV002787089.3), dbSNP rs368443920, ClinGen allele CA10450766.

ClinVar aggregate classification (germline): Uncertain significance (1 of 4 stars; one submission).

Conditions:
Glycogen storage disease IXd (GSD9D). Also called: GSD IXd; Muscle Phosphorylase Kinase Deficiency. Identifiers: Orphanet 715, MedGen C1845151, MONDO:0010362, OMIM 300559.

Allele frequency attached by ClinVar (database versions not stated): gnomAD exomes below 0.00001; ExAC 0.00002; TOPMed 0.00002; gnomAD 0.00004; ESP Exome Variant Server 0.00009.
gnomAD v4.1: 5 of 1,208,134 alleles (0.00041%); highest among the groups gnomAD compares: African/African-American, 0.0088%; no homozygotes.

Submission:

Labcorp Genetics (formerly Invitae), Labcorp
Classification: Uncertain significance for Glycogen storage disease IXd. Last evaluated: 2023-07-31. Review status: criteria provided, single submitter. Criteria: Invitae Variant Classification Sherloc (09022015). Collection method: clinical testing. Allele origin: germline.
Comment: This sequence change replaces aspartic acid, which is acidic and polar, with valine, which is neutral and non-polar, at codon 698 of the PHKA1 protein (p.Asp698Val). This variant is present in population databases (rs368443920, gnomAD 0.02%). This variant has not been reported in the literature in individuals affected with PHKA1-related conditions. Advanced modeling of protein sequence and biophysical properties (such as structural, functional, and spatial information, amino acid conservation, physicochemical variation, residue mobility, and thermodynamic stability) has been performed at Invitae for this missense variant, however the output from this modeling did not meet the statistical confidence thresholds required to predict the impact of this variant on PHKA1 protein function. In summary, the available evidence is currently insufficient to determine the role of this variant in disease. Therefore, it has been classified as a Variant of Uncertain Significance.